The following is an entry in ClinVar:

ClinVar aggregate classification (germline): Uncertain significance (1 of 4 stars; one submission).

Conditions:
Cardiovascular phenotype. Identifiers: MedGen CN230736.

Submission:

Ambry Genetics
Classification: Uncertain significance for Cardiovascular phenotype. Last evaluated: 2021-08-05. Review status: criteria provided, single submitter. Criteria: Ambry Variant Classification Scheme 2023. Collection method: clinical testing. Allele origin: germline.
Comment: The p.S131G variant (also known as c.391A>G), located in coding exon 1 of the MYPN gene, results from an A to G substitution at nucleotide position 391. The serine at codon 131 is replaced by glycine, an amino acid with similar properties. This amino acid position is conserved. In addition, this alteration is predicted to be tolerated by in silico analysis. Since supporting evidence is limited at this time, the clinical significance of this alteration remains unclear.

NM_032578.4(MYPN):c.391A>G (p.Ser131Gly)

Gene: MYPN (myopalladin; plus strand). Cytogenetic location: 10q21.3.
Variant type: single nucleotide variant.
Coding change: c.391A>G on transcript NM_032578.4 (MANE Select); coding-DNA position 391, A replaced by G.
Protein change: p.Ser131Gly; replaces serine 131 with glycine.
Molecular consequence: missense variant. On other transcripts: 5 prime UTR variant (1), non-coding transcript variant (1).
Genome position (GRCh38, 1-based): chr10:68,121,829, A>G. VCF-style: chr10-68121829-A-G. GRCh37 (hg19) VCF-style: chr10-69881586-A-G.
Other names: c.391A>G, p.Ser131Gly (NM_001256267.2); c.-732A>G (NM_001256268.2); short protein forms S131G.
Identifiers: ClinVar variation 1736172 (VCV001736172.2), dbSNP rs2495462712, ClinGen allele CA377104243.